The following is an entry in ClinVar:

ClinVar aggregate classification (germline): Conflicting classifications of pathogenicity. Review status: criteria provided, conflicting classifications (1 of 4 stars). 4 submissions from 4 submitters: Uncertain significance (2); Likely benign (2). Last evaluated 2025-12-31.

Conditions:
FANCB-related disorder. Also called: FANCB-related condition.
Fanconi anemia (FA). Also called: Fanconi's anemia. Identifiers: Orphanet 84, MedGen C0015625, MeSH D005199, MONDO:0019391.

Allele frequency attached by ClinVar (database versions not stated): gnomAD 0.00002 and 0.00003; TOPMed 0.00003; ExAC 0.00005; gnomAD exomes 0.00005 and 0.00007; 1000 Genomes Project 30x 0.00021; 1000 Genomes Project 0.00026.
gnomAD v4.1: 53 of 1,185,339 alleles (0.0045%); highest among the groups gnomAD compares: East Asian, 0.033%; no homozygotes.

Submissions (4):

Labcorp Genetics (formerly Invitae), Labcorp
Classification: Likely benign for Fanconi anemia. Last evaluated: 2025-12-31. Review status: criteria provided, single submitter. Criteria: Invitae Variant Classification Sherloc (09022015). Collection method: clinical testing. Allele origin: germline.

PreventionGenetics, part of Exact Sciences
Classification: Likely benign for FANCB-related condition. Last evaluated: 2024-10-28. Review status: criteria provided, single submitter. Criteria: ACMG Guidelines, 2015. Collection method: clinical testing. Allele origin: germline.
Comment: This variant is classified as likely benign based on ACMG/AMP sequence variant interpretation guidelines (Richards et al. 2015 PMID: 25741868, with internal and published modifications).

Sema4
Classification: Uncertain significance for Fanconi anemia. Last evaluated: 2022-02-05. Review status: criteria provided, single submitter. Criteria: Sema4 Curation Guidelines. Collection method: curation. Allele origin: germline.
Comment: The FANCB c.1079C>T(p.T360M) variant has not been reported in the literature to our knowledge. This variant was observed in 14/202060 chromosomes, without hemizygote occurrences, in the large and broad cohorts of the Genome Aggregation Database (PMID: 32461654). The variant has been reported in ClinVar (Variation ID: 456175). Functional studies have not been performed, and in silico predictions of the variant's effect on protein function are inconclusive. The evidence is insufficient to meet ACMG/AMP criteria for classifying the variant as benign or pathogenic. Thus, the clinical significance of this variant is currently uncertain.

Blueprint Genetics
Classification: Uncertain significance. Last evaluated: 2020-12-30. Review status: criteria provided, single submitter. Criteria: ACMG Guidelines, 2015. Collection method: clinical testing. Allele origin: germline.

NM_001018113.3(FANCB):c.1079C>T (p.Thr360Met)

Gene: FANCB (FA complementation group B; minus strand). Cytogenetic location: Xp22.2.
Variant type: single nucleotide variant.
Coding change: c.1079C>T on transcript NM_001018113.3 (MANE Select); coding-DNA position 1079, C replaced by T.
Protein change: p.Thr360Met; replaces threonine 360 with methionine.
Molecular consequence: missense variant.
Genome position (GRCh38, 1-based): chrX:14,859,207, G>A on the plus strand (C>T on the coding strand, the complement: FANCB is on the minus strand). VCF-style: chrX-14859207-G-A. GRCh37 (hg19) VCF-style: chrX-14877329-G-A.
Other names: c.1079C>T (NM_001018113.2); c.1079C>T, p.Thr360Met (NM_001324162.2, NM_152633.4); short protein forms T360M.
Identifiers: ClinVar variation 456175 (VCV000456175.15), dbSNP rs138192474, ClinGen allele CA10353134.
Genomic context (GRCh38, chrX:14,859,207, plus strand): 5'-CTTAAAATACCATATAATAAGTAAATAGAACTTACCGAATAGTTTATTTTTCCAAGATCC[G>A]TTATTTTAAATGAAGTCAGGCAGTCTGAGTTCAAGGAGTCCTTAAAAAGTAGGAGTACTT-3'
Protein context (NP_001018123.1, residues 350-370): NSDCLTSFKI[Thr360Met]DLGKINYSSE